The following is an entry in ClinVar:

ClinVar aggregate classification (germline): Uncertain significance (1 of 4 stars; one submission).

Conditions:
Early-infantile DEE. Also called: Early infantile epileptic encephalopathy with suppression bursts; Early infantile epileptic encephalopathy; Ohtahara syndrome. Identifiers: Orphanet 1934, MedGen C0393706, MONDO:0800491.

Submission:

Labcorp Genetics (formerly Invitae), Labcorp
Classification: Uncertain significance for Early-infantile DEE. Last evaluated: 2022-10-28. Review status: criteria provided, single submitter. Criteria: Invitae Variant Classification Sherloc (09022015). Collection method: clinical testing. Allele origin: germline.
Comment: This sequence change replaces leucine, which is neutral and non-polar, with arginine, which is basic and polar, at codon 307 of the KCNQ2 protein (p.Leu307Arg). This variant is not present in population databases (gnomAD no frequency). This missense change has been observed in individual(s) with clinical features of KCNQ2-related conditions (Invitae). Advanced modeling of protein sequence and biophysical properties (such as structural, functional, and spatial information, amino acid conservation, physicochemical variation, residue mobility, and thermodynamic stability) performed at Invitae indicates that this missense variant is expected to disrupt KCNQ2 protein function. In summary, the available evidence is currently insufficient to determine the role of this variant in disease. Therefore, it has been classified as a Variant of Uncertain Significance.

NM_172107.4(KCNQ2):c.920T>G (p.Leu307Arg)

Gene: KCNQ2 (potassium voltage-gated channel subfamily Q member 2; minus strand). Cytogenetic location: 20q13.33.
Variant type: single nucleotide variant.
Coding change: c.920T>G on transcript NM_172107.4 (MANE Select); coding-DNA position 920, T replaced by G.
Protein change: p.Leu307Arg; replaces leucine 307 with arginine.
Molecular consequence: missense variant.
Genome position (GRCh38, 1-based): chr20:63,439,605, A>C on the plus strand (T>G on the coding strand, the complement: KCNQ2 is on the minus strand). VCF-style: chr20-63439605-A-C. GRCh37 (hg19) VCF-style: chr20-62070958-A-C.
Other names: c.920T>G, p.Leu307Arg (NM_001382235.1, NM_004518.6, NM_172106.3 and 2 more transcripts); short protein forms L307R.
Identifiers: ClinVar variation 1720706 (VCV001720706.6), dbSNP rs2516418487, ClinGen allele CA409652451.
Genomic context (GRCh38, chr20:63,439,605, plus strand): 5'-GAGCCTACAAGACCTCGTCCCCCTCCAAGGCAGGCAGGGGCAGCTGGACTTACTGCAGGC[A>C]GCGCGAAGAAGGAGACACCGATGAGGGTGAAGGTTGCCGCAAGGAGCCTGCCGTTCCAGG-3'
Protein context (NP_742105.1, residues 297-317): FTLIGVSFFA[Leu307Arg]PAGILGSGFA